The following is an entry in ClinVar:

NM_001034850.3(RETREG1):c.884C>T (p.Thr295Met)

Gene: RETREG1 (reticulophagy regulator 1; minus strand). Cytogenetic location: 5p15.1.
Variant type: single nucleotide variant.
Coding change: c.884C>T on transcript NM_001034850.3 (MANE Select); coding-DNA position 884, C replaced by T.
Protein change: p.Thr295Met; replaces threonine 295 with methionine.
Molecular consequence: missense variant.
Genome position (GRCh38, 1-based): chr5:16,477,778, G>A on the plus strand (C>T on the coding strand, the complement: RETREG1 is on the minus strand). VCF-style: chr5-16477778-G-A. GRCh37 (hg19) VCF-style: chr5-16477887-G-A.
Other names: c.461C>T, p.Thr154Met (NM_019000.5); short protein forms T295M, T154M.
Identifiers: ClinVar variation 2569977 (VCV002569977.3), dbSNP rs371709887, ClinGen allele CA3210299.

ClinVar aggregate classification (germline): Uncertain significance. Review status: criteria provided, multiple submitters, no conflicts (2 of 4 stars). 2 submissions from 2 submitters: Uncertain significance (2). Last evaluated 2025-12-03.

Conditions:
Inborn genetic diseases. Identifiers: MedGen C0950123, MeSH D030342.
RETREG1-related disorder. Also called: RETREG1-related condition.

Allele frequency attached by ClinVar (database versions not stated): ExAC 0.00004; gnomAD 0.00005; TOPMed 0.00005; ESP Exome Variant Server 0.00008.
gnomAD v4.1: 30 of 1,613,232 alleles (0.0019%); highest among the groups gnomAD compares: East Asian, 0.013%; no homozygotes.

Submissions (2):

PreventionGenetics, part of Exact Sciences
Classification: Uncertain significance for RETREG1-related condition. Last evaluated: 2025-12-03. Review status: criteria provided, single submitter. Criteria: ACMG Guidelines, 2015. Collection method: clinical testing. Allele origin: germline.
Comment: The RETREG1 c.884C>T variant is predicted to result in the amino acid substitution p.Thr295Met. To our knowledge, this variant has not been reported in the literature. This variant is reported in 0.022% of alleles in individuals of East Asian descent in gnomAD. At this time, the clinical significance of this variant is uncertain due to the absence of conclusive functional and genetic evidence.

Ambry Genetics
Classification: Uncertain significance for Inborn genetic diseases. Last evaluated: 2023-06-06. Review status: criteria provided, single submitter. Criteria: Ambry Variant Classification Scheme 2023. Collection method: clinical testing. Allele origin: germline.